The following is an entry in ClinVar:

NM_000455.5(STK11):c.288_289dup (p.Lys97fs)

Gene: STK11 (serine/threonine kinase 11; plus strand). Cytogenetic location: 19p13.3.
Variant type: Duplication.
Coding change: c.288_289dup on transcript NM_000455.5 (MANE Select); coding-DNA positions 288 to 289, 2 bases duplicated (GA; older notation c.288_289dupGA).
Protein change: p.Lys97fs; shifts the reading frame from lysine 97.
Molecular consequence: frameshift variant.
Genome position (GRCh38, 1-based): chr19:1,207,201-1,207,202, GA duplicated; duplicating any 2 consecutive bases within chr19:1,207,200-1,207,202 gives the same sequence; the c. name uses the placement nearest the transcript's 3' end. VCF-style (leftmost placement, unchanged base first): chr19-1207199-A-AAG. GRCh37 (hg19) VCF-style: chr19-1207198-A-AAG.
Other names: c.288_289dupGA (NM_000455.4); short protein forms K97fs.
Identifiers: ClinVar variation 942393 (VCV000942393.12), dbSNP rs2080673579, ClinGen allele CA1139666180.

ClinVar aggregate classification (germline): Pathogenic. Review status: criteria provided, multiple submitters, no conflicts (2 of 4 stars). 2 submissions from 2 submitters: Pathogenic (2). Last evaluated 2022-09-17.

Conditions:
Peutz-Jeghers syndrome (PJS). Also called: Peutz-Jeghers polyposis; Periorificial lentiginosis syndrome; POLYPOSIS, HAMARTOMATOUS INTESTINAL; POLYPS-AND-SPOTS SYNDROME. Identifiers: Orphanet 2869, MedGen C0031269, MeSH D010580, MONDO:0008280, OMIM 175200.
Hereditary cancer-predisposing syndrome. Also called: Neoplastic Syndromes, Hereditary; Hereditary neoplastic syndrome; Hereditary Cancer Syndrome; Tumor predisposition. Identifiers: Orphanet 140162, MedGen C0027672, MeSH D009386, MONDO:0015356.

Submissions (2):

Ambry Genetics
Classification: Pathogenic for Hereditary cancer-predisposing syndrome. Last evaluated: 2022-09-17. Review status: criteria provided, single submitter. Criteria: Ambry Variant Classification Scheme 2023. Collection method: clinical testing. Allele origin: germline.
Comment: The c.288_289dupGA pathogenic mutation, located in coding exon 1 of the STK11 gene, results from a duplication of GA at nucleotide position 288, causing a translational frameshift with a predicted alternate stop codon (p.K97Rfs*7). This variant is considered to be rare based on population cohorts in the Genome Aggregation Database (gnomAD). This alteration is expected to result in loss of function by premature protein truncation or nonsense-mediated mRNA decay. As such, this alteration is interpreted as a disease-causing mutation.

Labcorp Genetics (formerly Invitae), Labcorp
Classification: Pathogenic for Peutz-Jeghers syndrome. Last evaluated: 2019-08-23. Review status: criteria provided, single submitter. Criteria: Invitae Variant Classification Sherloc (09022015). Collection method: clinical testing. Allele origin: germline.
Comment: For these reasons, this variant has been classified as Pathogenic. Loss-of-function variants in STK11 are known to be pathogenic (PMID: 15188174, 16287113). This variant has been observed in an individual affected with Peutz-Jeghers syndrome (PMID: 15188174). This variant is also known as 290insGA in the literature. This variant is not present in population databases (ExAC no frequency). This sequence change creates a premature translational stop signal (p.Lys97Argfs*7) in the STK11 gene. It is expected to result in an absent or disrupted protein product.

Literature cited by the submitters: PubMed 15188174 (cited by Labcorp Genetics (formerly Invitae), Labcorp); PubMed 16287113 (cited by Labcorp Genetics (formerly Invitae), Labcorp).